The following is an entry in ClinVar:

ClinVar aggregate classification (germline): Likely benign. Review status: criteria provided, multiple submitters, no conflicts (2 of 4 stars). 2 submissions from 2 submitters: Likely benign (2). Last evaluated 2026-09-25.

Conditions:
CRB1-related disorder. Also called: CRB1-related condition; CRB1-related disorders.
Leber congenital amaurosis 8 (LCA8). Identifiers: Orphanet 65, MedGen C3151202, MONDO:0013453, OMIM 613835.
Retinitis pigmentosa 12 (RP12). Also called: RP WITH OR WITHOUT PRESERVED PARAARTERIOLE RETINAL PIGMENT EPITHELIUM; RETINITIS PIGMENTOSA WITH OR WITHOUT PARAARTERIOLAR PRESERVATION OF RETINAL PIGMENT EPITHELIUM; RP WITH OR WITHOUT PPRPE. Identifiers: Orphanet 791, MedGen C1838647, MONDO:0010818, OMIM 600105.

Allele frequency attached by ClinVar (database versions not stated): gnomAD exomes below 0.00001 and 0.00001; gnomAD 0.00001; ExAC 0.00002; TOPMed 0.00005.
gnomAD v4.1: 6 of 1,614,086 alleles (0.00037%); highest among the groups gnomAD compares: African/African-American, 0.0067%; no homozygotes.

Submissions (2):

PreventionGenetics, part of Exact Sciences
Classification: Likely benign for CRB1-related condition. Last evaluated: 2026-09-25. Review status: criteria provided, single submitter. Criteria: ACMG Guidelines, 2015. Collection method: clinical testing. Allele origin: germline.
Comment: This variant is classified as likely benign based on ACMG/AMP sequence variant interpretation guidelines (Richards et al. 2015 PMID: 25741868, with internal and published modifications).

Labcorp Genetics (formerly Invitae), Labcorp
Classification: Likely benign for Leber congenital amaurosis 8; Retinitis pigmentosa 12. Last evaluated: 2024-03-02. Review status: criteria provided, single submitter. Criteria: Invitae Variant Classification Sherloc (09022015). Collection method: clinical testing. Allele origin: germline.

NM_201253.3(CRB1):c.1161T>G (p.Pro387=)

Gene: CRB1 (crumbs cell polarity complex component 1; plus strand). Cytogenetic location: 1q31.3.
Variant type: single nucleotide variant.
Coding change: c.1161T>G on transcript NM_201253.3 (MANE Select); coding-DNA position 1161, T replaced by G.
Protein change: p.Pro387=; no amino-acid change (proline 387 retained).
Molecular consequence: synonymous variant. On other transcripts: non-coding transcript variant (2).
Genome position (GRCh38, 1-based): chr1:197,357,003, T>G. VCF-style: chr1-197357003-T-G. GRCh37 (hg19) VCF-style: chr1-197326133-T-G.
Other names: c.825T>G, p.Pro275= (NM_001193640.2); c.954T>G, p.Pro318= (NM_001257965.2); c.1161T>G, p.Pro387= (NM_001257966.2); c.1161T>G (NM_201253.2).
Identifiers: ClinVar variation 1147201 (VCV001147201.10), dbSNP rs746407080, ClinGen allele CA1311821.